The following is an entry in ClinVar:

ClinVar aggregate classification (germline): Uncertain significance. Review status: criteria provided, multiple submitters, no conflicts (2 of 4 stars). 2 submissions from 2 submitters: Uncertain significance (2). Last evaluated 2024-01-16.

Conditions:
Paramyotonia congenita of Von Eulenburg. Also called: PARALYSIS PERIODICA PARAMYOTONICA; Paramyotonia Congenita; Eulenburg disease; Myotonia congenita intermittens; Von Eulenburg paramyotonia congenita. Identifiers: Orphanet 684, MedGen C0221055, MONDO:0008195, OMIM 168300. Disease mechanism: loss of function.
Congenital myasthenic syndrome 16. Identifiers: Orphanet 590, MedGen C3280112, MONDO:0013620, OMIM 614198.
Potassium-aggravated myotonia. Also called: MYOTONIA CONGENITA, ACETAZOLAMIDE-RESPONSIVE; MYOTONIA CONGENITA, ATYPICAL; SODIUM CHANNEL MUSCLE DISEASE; Myotonia congenita, atypical, acetazolamide-responsive. Identifiers: Orphanet 612, Orphanet 99734, Orphanet 99735, Orphanet 99736, MedGen C2931826, MONDO:0018959, OMIM 608390.
Hypokalemic periodic paralysis, type 2 (HOKPP2). Identifiers: Orphanet 681, MedGen C2750061, MONDO:0013234, OMIM 613345.
Hyperkalemic periodic paralysis. Also called: Familial hyperkalemic periodic paralysis; Gamstorp disease. Identifiers: Orphanet 682, MedGen C0238357, MONDO:0008224, OMIM 170500, HP:0007215.
Congenital myopathy 22A, classic (CMYO22A). Identifiers: MedGen C5830453, MONDO:0957247, OMIM 620351.
Congenital myopathy 22B, severe fetal (CMYO22B). Identifiers: MedGen C5830501, MONDO:0957265, OMIM 620369.

Allele frequency attached by ClinVar (database versions not stated): gnomAD exomes below 0.00001.
gnomAD v4.1: 3 of 1,608,518 alleles (0.00019%); highest among the groups gnomAD compares: East Asian, 0.0022%; no homozygotes.

Submissions (2):

Fulgent Genetics
Classification: Uncertain significance for Paramyotonia congenita of Von Eulenburg; Hyperkalemic periodic paralysis; Potassium-aggravated myotonia; Hypokalemic periodic paralysis, type 2; Congenital myasthenic syndrome 16; Congenital myopathy 22A, classic; Congenital myopathy 22B, severe fetal. Last evaluated: 2024-01-16. Review status: criteria provided, single submitter. Criteria: ACMG Guidelines, 2015. Collection method: clinical testing. Allele origin: germline.

Labcorp Genetics (formerly Invitae), Labcorp
Classification: Uncertain significance for Hyperkalemic periodic paralysis. Last evaluated: 2023-07-08. Review status: criteria provided, single submitter. Criteria: Invitae Variant Classification Sherloc (09022015). Collection method: clinical testing. Allele origin: germline.
Comment: This sequence change replaces glutamine, which is neutral and polar, with lysine, which is basic and polar, at codon 955 of the SCN4A protein (p.Gln955Lys). This variant is not present in population databases (gnomAD no frequency). This variant has not been reported in the literature in individuals affected with SCN4A-related conditions. ClinVar contains an entry for this variant (Variation ID: 1394567). Advanced modeling of protein sequence and biophysical properties (such as structural, functional, and spatial information, amino acid conservation, physicochemical variation, residue mobility, and thermodynamic stability) performed at Invitae indicates that this missense variant is not expected to disrupt SCN4A protein function. In summary, the available evidence is currently insufficient to determine the role of this variant in disease. Therefore, it has been classified as a Variant of Uncertain Significance.

NM_000334.4(SCN4A):c.2863C>A (p.Gln955Lys)

Genes: GH-LCR (growth hormone locus control region; plus strand), SCN4A (sodium voltage-gated channel alpha subunit 4; minus strand). Cytogenetic location: 17q23.3.
Variant type: single nucleotide variant.
Coding change: c.2863C>A on transcript NM_000334.4 (MANE Select); coding-DNA position 2863, C replaced by A.
Protein change: p.Gln955Lys; replaces glutamine 955 with lysine.
Molecular consequence: missense variant.
Genome position (GRCh38, 1-based): chr17:63,949,519, G>T on the plus strand (C>A on the coding strand, the complement: SCN4A is on the minus strand). VCF-style: chr17-63949519-G-T. GRCh37 (hg19) VCF-style: chr17-62026879-G-T.
Other names: short protein forms Q955K.
Identifiers: ClinVar variation 1394567 (VCV001394567.10), dbSNP rs1185395150, ClinGen allele CA400622781.